The following is an entry in ClinVar:

NM_006940.6(SOX5):c.1759A>T (p.Ser587Cys)

Gene: SOX5 (SRY-box transcription factor 5; minus strand). Cytogenetic location: 12p12.1.
Variant type: single nucleotide variant.
Coding change: c.1759A>T on transcript NM_006940.6 (MANE Select); coding-DNA position 1759, A replaced by T.
Protein change: p.Ser587Cys; replaces serine 587 with cysteine.
Molecular consequence: missense variant.
Genome position (GRCh38, 1-based): chr12:23,543,223, T>A on the plus strand (A>T on the coding strand, the complement: SOX5 is on the minus strand). VCF-style: chr12-23543223-T-A. GRCh37 (hg19) VCF-style: chr12-23696157-T-A.
Other names: c.1396A>T, p.Ser466Cys (NM_001261414.3); c.1729A>T, p.Ser577Cys (NM_001261415.3); c.1654A>T, p.Ser552Cys (NM_001330785.2); c.1720A>T, p.Ser574Cys (NM_152989.5); c.601A>T, p.Ser201Cys (NM_178010.4); short protein forms S201C, S466C, S552C, S574C, S577C, S587C.
Identifiers: ClinVar variation 982856 (VCV000982856.1), dbSNP rs1942462618, ClinGen allele CA384319703.

ClinVar aggregate classification (germline): Likely pathogenic (1 of 4 stars; one submission).

Conditions:
Lamb-Shaffer syndrome. Identifiers: Orphanet 313884, Orphanet 313892, Orphanet 530983, MedGen C4225202, MONDO:0014778, OMIM 616803.

Submission:

Institute of Human Genetics, University of Leipzig Medical Center
Classification: Likely pathogenic for Lamb-Shaffer syndrome. Last evaluated: 2019-01-01. Review status: criteria provided, single submitter. Criteria: ACMG Guidelines, 2015. Collection method: clinical testing. Allele origin: de novo. Affected: yes.
Comment: This variant was identified as de novo.